The following is an entry in ClinVar:

NM_000051.4(ATM):c.8152-20C>T

Genes: ATM (ATM serine/threonine kinase; plus strand), C11orf65 (chromosome 11 open reading frame 65; minus strand). Cytogenetic location: 11q22.3.
Variant type: single nucleotide variant.
Coding change: c.8152-20C>T on transcript NM_000051.4 (MANE Select); 20 bases into the intron before coding-DNA position 8152, C replaced by T.
Molecular consequence: intron variant.
Genome position (GRCh38, 1-based): chr11:108,335,825, C>T. VCF-style: chr11-108335825-C-T. GRCh37 (hg19) VCF-style: chr11-108206552-C-T.
Other names: c.8152-20C>T (NM_001351834.2); c.641-26754G>A (NM_001330368.2); c.695-533G>A (NM_001351110.2).
Identifiers: ClinVar variation 490727 (VCV000490727.12), dbSNP rs1555128158, ClinGen allele CA658683775.
Genomic context (GRCh38, chr11:108,335,825, plus strand): 5'-CCTTTGCTATTCTCAGATGACTCTGTGTTTTTATAATAAAATAAACTGTACTTGTTTATT[C>T]ATGCTTAATTATTCTGAAGGGCCGTGATGACCTGAGACAAGATGCTGTCATGCAACAGGT-3'

ClinVar aggregate classification (germline): Likely benign. Review status: criteria provided, multiple submitters, no conflicts (2 of 4 stars). 3 submissions from 3 submitters: Likely benign (3). Last evaluated 2025-12-21.

Conditions:
Hereditary cancer-predisposing syndrome. Also called: Hereditary Cancer Syndrome; Neoplastic Syndromes, Hereditary; Tumor predisposition; Hereditary neoplastic syndrome. Identifiers: Orphanet 140162, MedGen C0027672, MeSH D009386, MONDO:0015356.
Familial cancer of breast. Also called: BREAST CANCER, FAMILIAL; Hereditary breast cancer; hereditary breast carcinoma. Identifiers: Orphanet 227535, MedGen C0346153, MONDO:0016419, OMIM 114480. Disease mechanism: loss of function.
Ataxia-telangiectasia syndrome (AT). Also called: Cerebello-oculocutaneous telangiectasia; Immunodeficiency with ataxia telangiectasia; Ataxia-telangiectasia, complementation group E; Ataxia-telangiectasia, complementation group D; AT, COMPLEMENTATION GROUP C; ATAXIA-TELANGIECTASIA, COMPLEMENTATION GROUP A. Identifiers: Orphanet 100, MedGen C0004135, MONDO:0008840, OMIM 208900.

Allele frequency attached by ClinVar (database versions not stated): TOPMed below 0.00001.

Submissions (3):

Labcorp Genetics (formerly Invitae), Labcorp
Classification: Likely benign for Ataxia-telangiectasia syndrome. Last evaluated: 2025-12-21. Review status: criteria provided, single submitter. Criteria: Invitae Variant Classification Sherloc (09022015). Collection method: clinical testing. Allele origin: germline.

Myriad Genetics, Inc.
Classification: Likely benign for Familial cancer of breast. Last evaluated: 2024-06-18. Review status: criteria provided, single submitter. Criteria: Myriad Autosomal Dominant, Autosomal Recessive and X-Linked Classification Criteria (2023). Collection method: clinical testing. Allele origin: unknown.
Comment: This variant is considered likely benign. This variant is intronic and is not expected to impact mRNA splicing.

Color Diagnostics, LLC DBA Color Health
Classification: Likely benign for Hereditary cancer-predisposing syndrome. Last evaluated: 2017-10-02. Review status: criteria provided, single submitter. Criteria: ACMG Guidelines, 2015. Collection method: clinical testing. Allele origin: germline.